The following is an entry in ClinVar:

NM_004385.5(VCAN):c.5198_5199delinsTA (p.Gly1733Val)

Genes: VCAN (versican; plus strand), VCAN-AS1 (VCAN antisense RNA 1; minus strand). Cytogenetic location: 5q14.3.
Variant type: Indel.
Coding change: c.5198_5199delinsTA on transcript NM_004385.5 (MANE Select); coding-DNA positions 5198 to 5199, GT replaced by TA.
Protein change: p.Gly1733Val; replaces glycine 1733 with valine.
Molecular consequence: missense variant. On other transcripts: intron variant (2).
Genome position (GRCh38, 1-based): chr5:83,538,201-83,538,202, GT replaced by TA. VCF-style: chr5-83538201-GT-TA. GRCh37 (hg19) VCF-style: chr5-82834020-GT-TA.
Other names: c.2237_2238delinsTA, p.Gly746Val (NM_001164097.2); c.4004-7336_4004-7335delinsTA (NM_001164098.2); c.1043-7336_1043-7335delinsTA (NM_001126336.3); short protein forms G746V, G1733V.
Identifiers: ClinVar variation 1523991 (VCV001523991.6), dbSNP rs2112441760, ClinGen allele CA2573140122.

ClinVar aggregate classification (germline): Uncertain significance (1 of 4 stars; one submission).

Submission:

Labcorp Genetics (formerly Invitae), Labcorp
Classification: Uncertain significance. Last evaluated: 2021-09-19. Review status: criteria provided, single submitter. Criteria: Invitae Variant Classification Sherloc (09022015). Collection method: clinical testing. Allele origin: germline.
Comment: In summary, the available evidence is currently insufficient to determine the role of this variant in disease. Therefore, it has been classified as a Variant of Uncertain Significance. Algorithms developed to predict the effect of missense changes on protein structure and function are either unavailable or do not agree on the potential impact of this missense change (SIFT: "Not Available"; PolyPhen-2: "Benign"; Align-GVGD: "Not Available"). This variant has not been reported in the literature in individuals affected with VCAN-related conditions. The frequency data for this variant in the population databases is not available, as this variant may be reported as separate entries in the ExAC database. This sequence change replaces glycine with valine at codon 1733 of the VCAN protein (p.Gly1733Val). The glycine residue is moderately conserved and there is a moderate physicochemical difference between glycine and valine.